The following is an entry in ClinVar:

ClinVar aggregate classification (germline): Uncertain significance (1 of 4 stars; one submission).

Submission:

Ambry Genetics
Classification: Uncertain significance. Last evaluated: 2023-12-11. Review status: criteria provided, single submitter. Criteria: Ambry Variant Classification Scheme 2023. Collection method: clinical testing. Allele origin: germline.
Comment: The p.E1079A variant (also known as c.3236A>C), located in coding exon 25 of the BUB1 gene, results from an A to C substitution at nucleotide position 3236. The glutamic acid at codon 1079 is replaced by alanine, an amino acid with dissimilar properties. This amino acid position is conserved. In addition, this alteration is predicted to be tolerated by in silico analysis. Since supporting evidence is limited at this time, the clinical significance of this alteration remains unclear.

NM_004336.5(BUB1):c.3236A>C (p.Glu1079Ala)

Gene: BUB1 (BUB1 mitotic checkpoint serine/threonine kinase; minus strand). Cytogenetic location: 2q13.
Variant type: single nucleotide variant.
Coding change: c.3236A>C on transcript NM_004336.5 (MANE Select); coding-DNA position 3236, A replaced by C.
Protein change: p.Glu1079Ala; replaces glutamic acid 1079 with alanine.
Molecular consequence: missense variant.
Genome position (GRCh38, 1-based): chr2:110,637,986, T>G on the plus strand (A>C on the coding strand, the complement: BUB1 is on the minus strand). VCF-style: chr2-110637986-T-G. GRCh37 (hg19) VCF-style: chr2-111395563-T-G.
Other names: c.3065A>C, p.Glu1022Ala (NM_001278617.2); c.3176A>C, p.Glu1059Ala (NM_001278616.2); short protein forms E1022A, E1059A, E1079A.
Identifiers: ClinVar variation 3224089 (VCV003224089.1), dbSNP rs2467963105, ClinGen allele CA348088248.